The following is an entry in ClinVar:

ClinVar aggregate classification (germline): Likely pathogenic (1 of 4 stars; one submission).

Submission:

Labcorp Genetics (formerly Invitae), Labcorp
Classification: Likely pathogenic. Last evaluated: 2024-09-06. Review status: criteria provided, single submitter. Criteria: Invitae Variant Classification Sherloc (09022015). Collection method: clinical testing. Allele origin: germline.
Comment: This sequence change replaces glycine, which is neutral and non-polar, with alanine, which is neutral and non-polar, at codon 791 of the COL4A1 protein (p.Gly791Ala). This variant is not present in population databases (gnomAD no frequency). This variant has not been reported in the literature in individuals affected with COL4A1-related conditions. An algorithm developed to predict the effect of missense changes on protein structure and function (PolyPhen-2) suggests that this variant is likely to be tolerated. This variant disrupts the triple helix domain of COL4A1. Glycine residues within the Gly-Xaa-Yaa repeats of the triple helix domain are required for the structure and stability of fibrillar collagens (PMID: 7695699, 8218237, 19344236). In COL4A1 variants affecting these glycine residues are significantly enriched in individuals with disease (PMID: 9016532, 17078022) compared to the general population (ExAC). In summary, the currently available evidence indicates that the variant is pathogenic, but additional data are needed to prove that conclusively. Therefore, this variant has been classified as Likely Pathogenic.

Literature cited by the submitters: PubMed 7695699; PubMed 8218237; PubMed 19344236; PubMed 9016532; PubMed 17078022.

NM_001845.6(COL4A1):c.2372G>C (p.Gly791Ala)

Gene: COL4A1 (collagen type IV alpha 1 chain; minus strand). Cytogenetic location: 13q34.
Variant type: single nucleotide variant.
Coding change: c.2372G>C on transcript NM_001845.6 (MANE Select); coding-DNA position 2372, G replaced by C.
Protein change: p.Gly791Ala; replaces glycine 791 with alanine.
Molecular consequence: missense variant.
Genome position (GRCh38, 1-based): chr13:110,179,009, C>G on the plus strand (G>C on the coding strand, the complement: COL4A1 is on the minus strand). VCF-style: chr13-110179009-C-G. GRCh37 (hg19) VCF-style: chr13-110831356-C-G.
Other names: short protein forms G791A.
Identifiers: ClinVar variation 3692179 (VCV003692179.2).